The following is an entry in ClinVar:

ClinVar aggregate classification (germline): Benign/Likely benign. Review status: criteria provided, single submitter (1 of 4 stars). 2 submissions from 1 submitter: Benign (1); Likely benign (1). Last evaluated 2018-01-13.

Conditions:
Diffuse nonepidermolytic palmoplantar keratoderma (NEPPK). Also called: Nonepidermolytic palmoplantar keratoderma; Nonepidermolytic palmoplantar hyperkeratosis. Identifiers: Orphanet 530838, MedGen C1833030, MONDO:0010962, OMIM 600962, HP:0007404.
Epidermolytic ichthyosis. Also called: KRT10-Related Epidermolytic Hyperkeratosis; Bullous ichthyosiform erythroderma; Epidermolytic Hyperkeratosis; Congenital bullous ichthyosiform erythroderma. Identifiers: Orphanet 312, MedGen C0079153, MONDO:0007239, HP:0007475.

Allele frequency attached by ClinVar (database versions not stated): gnomAD 0.00004 and 0.00006; gnomAD exomes 0.00004 and 0.00005; ExAC 0.00007; TOPMed 0.00009; 1000 Genomes Project 30x 0.00016; 1000 Genomes Project 0.00020.

Submissions (2):

Illumina Laboratory Services, Illumina
Classification: Benign for Epidermolytic hyperkeratosis 1. Last evaluated: 2018-01-13. Review status: criteria provided, single submitter. Criteria: ICSL Variant Classification Criteria 13 December 2019. Collection method: clinical testing. Allele origin: germline.
Comment: This variant was observed in the ICSL laboratory as part of a predisposition screen in an ostensibly healthy population. It had not been previously curated by ICSL or reported in the Human Gene Mutation Database (HGMD: prior to June 1st, 2018), and was therefore a candidate for classification through an automated scoring system. Utilizing variant allele frequency, disease prevalence and penetrance estimates, and inheritance mode, an automated score was calculated to assess if this variant is too frequent to cause the disease. Based on the score and internal cut-off values, a variant classified as benign is not then subjected to further curation. The score for this variant resulted in a classification of benign for this disease.

Illumina Laboratory Services, Illumina
Classification: Likely benign for Diffuse nonepidermolytic palmoplantar keratoderma. Last evaluated: 2018-01-13. Review status: criteria provided, single submitter. Criteria: ICSL Variant Classification Criteria 13 December 2019. Collection method: clinical testing. Allele origin: germline.
Comment: This variant was observed in the ICSL laboratory as part of a predisposition screen in an ostensibly healthy population. It had not been previously curated by ICSL or reported in the Human Gene Mutation Database (HGMD: prior to June 1st, 2018), and was therefore a candidate for classification through an automated scoring system. Utilizing variant allele frequency, disease prevalence and penetrance estimates, and inheritance mode, an automated score was calculated to assess if this variant is too frequent to cause the disease. Based on the score and internal cut-off values, a variant classified as likely benign is not then subjected to further curation. The score for this variant resulted in a classification of likely benign for this disease.

NM_006121.4(KRT1):c.45G>A (p.Gly15=)

Gene: KRT1 (keratin 1; minus strand). Cytogenetic location: 12q13.13.
Variant type: single nucleotide variant.
Coding change: c.45G>A on transcript NM_006121.4 (MANE Select); coding-DNA position 45, G replaced by A.
Protein change: p.Gly15=; no amino-acid change (glycine 15 retained).
Molecular consequence: synonymous variant.
Genome position (GRCh38, 1-based): chr12:52,680,304, C>T on the plus strand (G>A on the coding strand, the complement: KRT1 is on the minus strand). VCF-style: chr12-52680304-C-T. GRCh37 (hg19) VCF-style: chr12-53074088-C-T.
Identifiers: ClinVar variation 883502 (VCV000883502.4), dbSNP rs549917182, ClinGen allele CA6586519.
Genomic context (GRCh38, chr12:52,680,304, plus strand): 5'-GGAGCTGCTGGTGGTCCTGCGCTGGTAGTTGATGATCCCAGCAGAGCCAGAGCTGAAGCC[C>T]CCTCCACTTCGGTACCCAGACCTGGAACTAAACTGTCGACTCATGTTGACTTAGAGAAAA-3'
Protein context (NP_006112.3, residues 5-25): FSSRSGYRSG[Gly15=]GFSSGSAGII